The following is an entry in ClinVar:

NM_138409.4(MRAP2):c.228-1877T>C

Gene: MRAP2 (melanocortin 2 receptor accessory protein 2; plus strand). Cytogenetic location: 6q14.2.
Variant type: single nucleotide variant.
Coding change: c.228-1877T>C on transcript NM_138409.4 (MANE Select); 1877 bases into the intron before coding-DNA position 228, T replaced by C.
Molecular consequence: intron variant. On other transcripts: 5 prime UTR variant (1).
Genome position (GRCh38, 1-based): chr6:84,087,214, T>C. VCF-style: chr6-84087214-T-C. GRCh37 (hg19) VCF-style: chr6-84796933-T-C.
Other names: c.-6T>C (NM_001346543.2); c.228-1877T>C (NM_001346542.2, NM_001346544.2); c.-31-1877T>C (NM_001346541.2).
Identifiers: ClinVar variation 3357928 (VCV003357928.1).

ClinVar aggregate classification (germline): Likely benign (0 of 4 stars; one submission).

Conditions:
MRAP2-related disorder. Also called: MRAP2-related condition.

Submission:

PreventionGenetics, part of Exact Sciences
Classification: Likely benign for MRAP2-related condition. Last evaluated: 2024-02-27. Review status: no assertion criteria provided. Collection method: clinical testing. Allele origin: germline.
Comment: This variant is classified as likely benign based on ACMG/AMP sequence variant interpretation guidelines (Richards et al. 2015 PMID: 25741868, with internal and published modifications).